The following is an entry in ClinVar:

NM_001378414.1(HDAC4):c.2461A>G (p.Asn821Asp)

Gene: HDAC4 (histone deacetylase 4; minus strand). Cytogenetic location: 2q37.3.
Variant type: single nucleotide variant.
Coding change: c.2461A>G on transcript NM_001378414.1 (MANE Select); coding-DNA position 2461, A replaced by G.
Protein change: p.Asn821Asp; replaces asparagine 821 with aspartic acid.
Molecular consequence: missense variant.
Genome position (GRCh38, 1-based): chr2:239,084,226, T>C on the plus strand (A>G on the coding strand, the complement: HDAC4 is on the minus strand). VCF-style: chr2-239084226-T-C. GRCh37 (hg19) VCF-style: chr2-240005922-T-C.
Other names: c.2461A>G, p.Asn821Asp (NM_001378415.1); c.2446A>G, p.Asn816Asp (NM_001378416.1, NM_001378417.1, NM_006037.4); c.2380A>G, p.Asn794Asp (NM_001435991.1, NM_001435992.1); c.2302A>G, p.Asn768Asp (NM_001435993.1); short protein forms N794D, N816D, N821D, N768D.
Identifiers: ClinVar variation 4269305 (VCV004269305.2).
Genomic context (GRCh38, chr2:239,084,226, plus strand): 5'-TGAGGATCTTGCTCACGCTCAACCTCTGCTGCAGAAGCTTGGCTGCCACGGCCACGGAGT[T>C]GAAGTAGCAAAAGCCCCTGCGGGAGAGAACTGACGCTGGAGACGAAGCGCAGGTGGGCGG-3'
Protein context (NP_001365343.1, residues 811-831): ESTPMGFCYF[Asn821Asp]SVAVAAKLLQ

ClinVar aggregate classification (germline): Uncertain significance. Review status: criteria provided, multiple submitters, no conflicts (2 of 4 stars). 2 submissions from 2 submitters: Uncertain significance (2). Last evaluated 2026-07-08.

Conditions:
HDAC4-related disorder. Also called: HDAC4-related condition.
Inborn genetic diseases. Identifiers: MedGen C0950123, MeSH D030342.

gnomAD v4.1: 1 of 1,612,580 alleles (0.000062%); highest among the groups gnomAD compares: Non-Finnish European, 0.000085%; no homozygotes.

Submissions (2):

PreventionGenetics, part of Exact Sciences
Classification: Uncertain significance for HDAC4-related condition. Last evaluated: 2026-07-08. Review status: criteria provided, single submitter. Criteria: ACMG Guidelines, 2015. Collection method: clinical testing. Allele origin: germline.
Comment: The HDAC4 c.2446A>G variant is predicted to result in the amino acid substitution p.Asn816Asp. To our knowledge, this variant has not been reported in the literature or in a large population database (gnomAD), indicating this variant is rare. At this time, the clinical significance of this variant is uncertain due to the absence of conclusive functional and genetic evidence.

Ambry Genetics
Classification: Uncertain significance for Inborn genetic diseases. Last evaluated: 2025-08-23. Review status: criteria provided, single submitter. Criteria: Ambry Variant Classification Scheme 2023. Collection method: clinical testing. Allele origin: germline.